The following is an entry in ClinVar:

NM_145059.3(FCSK):c.2271G>C (p.Glu757Asp)

Gene: FCSK (fucose kinase; plus strand). Cytogenetic location: 16q22.1.
Variant type: single nucleotide variant.
Coding change: c.2271G>C on transcript NM_145059.3 (MANE Select); coding-DNA position 2271, G replaced by C.
Protein change: p.Glu757Asp; replaces glutamic acid 757 with aspartic acid.
Molecular consequence: missense variant.
Genome position (GRCh38, 1-based): chr16:70,474,905, G>C. VCF-style: chr16-70474905-G-C. GRCh37 (hg19) VCF-style: chr16-70508808-G-C.
Other names: short protein forms E757D.
Identifiers: ClinVar variation 2102085 (VCV002102085.4), dbSNP rs2507440828, ClinGen allele CA396572891.

ClinVar aggregate classification (germline): Uncertain significance (1 of 4 stars; one submission).

Submission:

Labcorp Genetics (formerly Invitae), Labcorp
Classification: Uncertain significance. Last evaluated: 2022-05-13. Review status: criteria provided, single submitter. Criteria: Invitae Variant Classification Sherloc (09022015). Collection method: clinical testing. Allele origin: germline.
Comment: In summary, the available evidence is currently insufficient to determine the role of this variant in disease. Therefore, it has been classified as a Variant of Uncertain Significance. Algorithms developed to predict the effect of missense changes on protein structure and function (SIFT, PolyPhen-2, Align-GVGD) all suggest that this variant is likely to be tolerated. This variant has not been reported in the literature in individuals affected with FUK-related conditions. This variant is not present in population databases (gnomAD no frequency). This sequence change replaces glutamic acid, which is acidic and polar, with aspartic acid, which is acidic and polar, at codon 757 of the FUK protein (p.Glu757Asp).